The following is an entry in ClinVar:

NM_015057.5(MYCBP2):c.5332G>C (p.Val1778Leu)

Gene: MYCBP2 (MYC binding protein 2; minus strand). Cytogenetic location: 13q22.3.
Variant type: single nucleotide variant.
Coding change: c.5332G>C on transcript NM_015057.5 (MANE Select); coding-DNA position 5332, G replaced by C.
Protein change: p.Val1778Leu; replaces valine 1778 with leucine.
Molecular consequence: missense variant.
Genome position (GRCh38, 1-based): chr13:77,177,756, C>G on the plus strand (G>C on the coding strand, the complement: MYCBP2 is on the minus strand). VCF-style: chr13-77177756-C-G. GRCh37 (hg19) VCF-style: chr13-77751891-C-G.
Other names: short protein forms V1778L.
Identifiers: ClinVar variation 3361984 (VCV003361984.1).

ClinVar aggregate classification (germline): Uncertain significance (1 of 4 stars; one submission).

Submission:

GeneDx
Classification: Uncertain significance. Last evaluated: 2023-05-31. Review status: criteria provided, single submitter. Criteria: GeneDx Variant Classification Process June 2021. Collection method: clinical testing. Allele origin: germline. Affected: yes.
Comment: Not observed at significant frequency in large population cohorts (gnomAD); In silico analysis supports that this missense variant does not alter protein structure/function; Has not been previously published as pathogenic or benign to our knowledge